The following is an entry in ClinVar:

NM_031471.6(FERMT3):c.1465G>A (p.Gly489Ser)

Gene: FERMT3 (FERM domain containing kindlin 3; plus strand). Cytogenetic location: 11q13.1.
Variant type: single nucleotide variant.
Coding change: c.1465G>A on transcript NM_031471.6 (MANE Select); coding-DNA position 1465, G replaced by A.
Protein change: p.Gly489Ser; replaces glycine 489 with serine.
Molecular consequence: missense variant.
Genome position (GRCh38, 1-based): chr11:64,220,589, G>A. VCF-style: chr11-64220589-G-A. GRCh37 (hg19) VCF-style: chr11-63988061-G-A.
Other names: c.1465G>A, p.Gly489Ser (NM_001382361.1, NM_001382448.1); c.1477G>A, p.Gly493Ser (NM_001382362.1, NM_178443.3); c.925G>A, p.Gly309Ser (NM_001382363.1); c.937G>A, p.Gly313Ser (NM_001382364.1); c.1465G>A (NM_031471.5); short protein forms G309S, G313S, G489S, G493S.
Identifiers: ClinVar variation 1051541 (VCV001051541.7), dbSNP rs373722020, ClinGen allele CA6069172.

ClinVar aggregate classification (germline): Uncertain significance. Review status: criteria provided, multiple submitters, no conflicts (2 of 4 stars). 2 submissions from 2 submitters: Uncertain significance (2). Last evaluated 2025-02-21.

Conditions:
Leukocyte adhesion deficiency 3. Also called: Leukocyte adhesion deficiency, type III; INTEGRIN ACTIVATION DEFICIENCY DISEASE; LEUKOCYTE ADHESION DEFICIENCY 1 VARIANT. Identifiers: Orphanet 2968, Orphanet 99844, MedGen C2748536, MONDO:0013016, OMIM 612840.
Inborn genetic diseases. Identifiers: MedGen C0950123, MeSH D030342.

Allele frequency attached by ClinVar (database versions not stated): gnomAD exomes 0.00001 and 0.00004; ExAC 0.00002; gnomAD 0.00004; TOPMed 0.00006; ESP Exome Variant Server 0.00008.
gnomAD v4.1: 20 of 1,609,652 alleles (0.0012%); highest among the groups gnomAD compares: African/African-American, 0.0094%; no homozygotes.

Submissions (2):

Ambry Genetics
Classification: Uncertain significance for Inborn genetic diseases. Last evaluated: 2025-02-21. Review status: criteria provided, single submitter. Criteria: Ambry Variant Classification Scheme 2023. Collection method: clinical testing. Allele origin: germline.

Labcorp Genetics (formerly Invitae), Labcorp
Classification: Uncertain significance for Leukocyte adhesion deficiency 3. Last evaluated: 2021-08-31. Review status: criteria provided, single submitter. Criteria: Invitae Variant Classification Sherloc (09022015). Collection method: clinical testing. Allele origin: germline.
Comment: This sequence change replaces glycine with serine at codon 489 of the FERMT3 protein (p.Gly489Ser). The glycine residue is moderately conserved and there is a small physicochemical difference between glycine and serine. This variant is present in population databases (rs373722020, ExAC 0.03%). This variant has not been reported in the literature in individuals affected with FERMT3-related conditions. Algorithms developed to predict the effect of missense changes on protein structure and function (SIFT, PolyPhen-2, Align-GVGD) all suggest that this variant is likely to be tolerated. Algorithms developed to predict the effect of sequence changes on RNA splicing suggest that this variant may create or strengthen a splice site. In summary, the available evidence is currently insufficient to determine the role of this variant in disease. Therefore, it has been classified as a Variant of Uncertain Significance.